The following is an entry in ClinVar:

ClinVar aggregate classification (germline): Uncertain significance. Review status: criteria provided, multiple submitters, no conflicts (2 of 4 stars). 2 submissions from 2 submitters: Uncertain significance (2). Last evaluated 2025-05-05.

Conditions:
Familial hypokalemia-hypomagnesemia (GTLMNS). Also called: HYPOMAGNESEMIA-HYPOKALEMIA, PRIMARY RENOTUBULAR, WITH HYPOCALCIURIA; POTASSIUM AND MAGNESIUM DEPLETION; gitelman syndrome. Identifiers: Orphanet 358, MedGen C0268450, MONDO:0009904, OMIM 263800.

Allele frequency attached by ClinVar (database versions not stated): gnomAD exomes below 0.00001; ExAC 0.00001; gnomAD 0.00001.
gnomAD v4.1: 3 of 1,613,224 alleles (0.00019%); highest among the groups gnomAD compares: Admixed American, 0.0017%; no homozygotes.

Submissions (2):

Labcorp Genetics (formerly Invitae), Labcorp
Classification: Uncertain significance. Last evaluated: 2025-05-05. Review status: criteria provided, single submitter. Criteria: Invitae Variant Classification Sherloc (09022015). Collection method: clinical testing. Allele origin: germline.
Comment: This sequence change replaces histidine, which is basic and polar, with leucine, which is neutral and non-polar, at codon 99 of the SLC12A3 protein (p.His99Leu). This variant is present in population databases (rs779559035, gnomAD 0.004%). This variant has not been reported in the literature in individuals affected with SLC12A3-related conditions. ClinVar contains an entry for this variant (Variation ID: 1431777). Invitae Evidence Modeling of protein sequence and biophysical properties (such as structural, functional, and spatial information, amino acid conservation, physicochemical variation, residue mobility, and thermodynamic stability) indicates that this missense variant is not expected to disrupt SLC12A3 protein function with a negative predictive value of 95%. In summary, the available evidence is currently insufficient to determine the role of this variant in disease. Therefore, it has been classified as a Variant of Uncertain Significance.

Fulgent Genetics
Classification: Uncertain significance for Familial hypokalemia-hypomagnesemia. Last evaluated: 2022-03-22. Review status: criteria provided, single submitter. Criteria: ACMG Guidelines, 2015. Collection method: clinical testing. Allele origin: unknown.

NM_001126108.2(SLC12A3):c.296A>T (p.His99Leu)

Gene: SLC12A3 (solute carrier family 12 member 3; plus strand). Cytogenetic location: 16q13.
Variant type: single nucleotide variant.
Coding change: c.296A>T on transcript NM_001126108.2 (MANE Select); coding-DNA position 296, A replaced by T.
Protein change: p.His99Leu; replaces histidine 99 with leucine.
Molecular consequence: missense variant.
Genome position (GRCh38, 1-based): chr16:56,867,083, A>T. VCF-style: chr16-56867083-A-T. GRCh37 (hg19) VCF-style: chr16-56900995-A-T.
Other names: c.296A>T, p.His99Leu (NM_000339.3); c.293A>T, p.His98Leu (NM_001126107.2); short protein forms H98L, H99L.
Identifiers: ClinVar variation 1431777 (VCV001431777.5), dbSNP rs779559035, ClinGen allele CA8068975.